The following is an entry in ClinVar:

NM_001384317.1(ZHX3):c.656C>T (p.Ser219Leu)

Gene: ZHX3 (zinc fingers and homeoboxes 3; minus strand). Cytogenetic location: 20q12.
Variant type: single nucleotide variant.
Coding change: c.656C>T on transcript NM_001384317.1 (MANE Select); coding-DNA position 656, C replaced by T.
Protein change: p.Ser219Leu; replaces serine 219 with leucine.
Molecular consequence: missense variant.
Genome position (GRCh38, 1-based): chr20:41,204,261, G>A on the plus strand (C>T on the coding strand, the complement: ZHX3 is on the minus strand). VCF-style: chr20-41204261-G-A. GRCh37 (hg19) VCF-style: chr20-39832901-G-A.
Other names: c.656C>T, p.Ser219Leu (NM_001384315.1, NM_001384316.1, NM_001384318.1 and 8 more transcripts); short protein forms S219L.
Identifiers: ClinVar variation 2371576 (VCV002371576.6), dbSNP rs753290213, ClinGen allele CA9860083.

ClinVar aggregate classification (germline): Uncertain significance. Review status: criteria provided, multiple submitters, no conflicts (2 of 4 stars). 2 submissions from 2 submitters: Uncertain significance (2). Last evaluated 2025-02-04.

Allele frequency attached by ClinVar (database versions not stated): ExAC 0.00001; gnomAD exomes 0.00002; gnomAD 0.00013; TOPMed 0.00044.
gnomAD v4.1: 59 of 1,614,024 alleles (0.0037%); highest among the groups gnomAD compares: Admixed American, 0.058%; no homozygotes.

Submissions (2):

Ambry Genetics
Classification: Uncertain significance. Last evaluated: 2025-02-04. Review status: criteria provided, single submitter. Criteria: Ambry Variant Classification Scheme 2023. Collection method: clinical testing. Allele origin: germline.

Labcorp Genetics (formerly Invitae), Labcorp
Classification: Uncertain significance. Last evaluated: 2024-08-14. Review status: criteria provided, single submitter. Criteria: Invitae Variant Classification Sherloc (09022015). Collection method: clinical testing. Allele origin: germline.
Comment: This sequence change replaces serine, which is neutral and polar, with leucine, which is neutral and non-polar, at codon 219 of the ZHX3 protein (p.Ser219Leu). This variant is present in population databases (rs753290213, gnomAD 0.007%). This variant has not been reported in the literature in individuals affected with ZHX3-related conditions. ClinVar contains an entry for this variant (Variation ID: 2371576). An algorithm developed to predict the effect of missense changes on protein structure and function outputs the following: PolyPhen-2: "Benign". The leucine amino acid residue is found in multiple mammalian species, which suggests that this missense change does not adversely affect protein function. In summary, the available evidence is currently insufficient to determine the role of this variant in disease. Therefore, it has been classified as a Variant of Uncertain Significance.